The following is an entry in ClinVar:

ClinVar aggregate classification (germline): Likely pathogenic (0 of 4 stars; one submission).

Conditions:
FLNA-related disorder.

Submissions (2):

PreventionGenetics, part of Exact Sciences
Classification: Likely pathogenic for FLNA-related condition. Last evaluated: 2024-08-15. Review status: no assertion criteria provided. Collection method: clinical testing. Allele origin: germline.
Comment: The FLNA c.2404+1G>T variant is predicted to disrupt the GT donor site and interfere with normal splicing. To our knowledge, this variant has not been reported in the literature or in a large population database, indicating this variant is rare. Variants that disrupt the consensus splice donor site in FLNA are expected to be pathogenic. This variant is interpreted as likely pathogenic.

Dr. Peter K. Rogan Lab, Western University
No classification provided (evidence only). Condition: Thyroid cancer, nonmedullary, 1. Review status: no classification provided. Collection method: in vitro. Allele origin: not applicable. Functional consequence: cryptic splice site. Not counted in ClinVar's aggregate classification.

NM_001110556.2(FLNA):c.2404+1G>T

Gene: FLNA (filamin A; minus strand). Cytogenetic location: Xq28.
Variant type: single nucleotide variant.
Coding change: c.2404+1G>T on transcript NM_001110556.2 (MANE Select); the canonical splice donor site of the intron after coding-DNA position 2404, G replaced by T.
Molecular consequence: splice donor variant.
Genome position (GRCh38, 1-based): chrX:154,362,660, C>A on the plus strand (G>T on the coding strand, the complement: FLNA is on the minus strand). VCF-style: chrX-154362660-C-A. GRCh37 (hg19) VCF-style: chrX-153591028-C-A.
Other names: NC_000023.10:g.153591028C>A; c.2404+1G>T (NM_001456.4).
Identifiers: ClinVar variation 3345688 (VCV003345688.2).